The following is an entry in ClinVar:

NM_030665.4(RAI1):c.1487C>A (p.Pro496Gln)

Gene: RAI1 (retinoic acid induced 1; plus strand). Cytogenetic location: 17p11.2.
Variant type: single nucleotide variant.
Coding change: c.1487C>A on transcript NM_030665.4 (MANE Select); coding-DNA position 1487, C replaced by A.
Protein change: p.Pro496Gln; replaces proline 496 with glutamine.
Molecular consequence: missense variant.
Genome position (GRCh38, 1-based): chr17:17,794,435, C>A. VCF-style: chr17-17794435-C-A. GRCh37 (hg19) VCF-style: chr17-17697749-C-A.
Other names: short protein forms P496Q.
Identifiers: ClinVar variation 1994498 (VCV001994498.4), dbSNP rs200903510, ClinGen allele CA398548336.

ClinVar aggregate classification (germline): Uncertain significance (1 of 4 stars; one submission).

Submission:

Labcorp Genetics (formerly Invitae), Labcorp
Classification: Uncertain significance. Last evaluated: 2022-05-14. Review status: criteria provided, single submitter. Criteria: Invitae Variant Classification Sherloc (09022015). Collection method: clinical testing. Allele origin: germline.
Comment: This sequence change replaces proline, which is neutral and non-polar, with glutamine, which is neutral and polar, at codon 496 of the RAI1 protein (p.Pro496Gln). This variant is not present in population databases (gnomAD no frequency). This variant has not been reported in the literature in individuals affected with RAI1-related conditions. Algorithms developed to predict the effect of missense changes on protein structure and function (SIFT, PolyPhen-2, Align-GVGD) all suggest that this variant is likely to be disruptive. In summary, the available evidence is currently insufficient to determine the role of this variant in disease. Therefore, it has been classified as a Variant of Uncertain Significance.